The following is an entry in ClinVar:

ClinVar aggregate classification (germline): Uncertain significance. Review status: criteria provided, multiple submitters, no conflicts (2 of 4 stars). 2 submissions from 2 submitters: Uncertain significance (2). Last evaluated 2025-11-25.

Conditions:
Inborn genetic diseases. Identifiers: MedGen C0950123, MeSH D030342.
MEGF10-related myopathy (CMYO10A). Also called: Congenital myopathy 10A, severe variant. Identifiers: Orphanet 439212, MedGen C3280679, MONDO:0013731, OMIM 614399.

Allele frequency attached by ClinVar (database versions not stated): TOPMed 0.00001; ExAC 0.00002.
gnomAD v4.1: 15 of 1,614,002 alleles (0.00093%); highest among the groups gnomAD compares: Admixed American, 0.0033%; no homozygotes.

Submissions (2):

Ambry Genetics
Classification: Uncertain significance for Inborn genetic diseases. Last evaluated: 2025-11-25. Review status: criteria provided, single submitter. Criteria: Ambry Variant Classification Scheme 2023. Collection method: clinical testing. Allele origin: germline.

Labcorp Genetics (formerly Invitae), Labcorp
Classification: Uncertain significance for MEGF10-related myopathy. Last evaluated: 2023-10-29. Review status: criteria provided, single submitter. Criteria: Invitae Variant Classification Sherloc (09022015). Collection method: clinical testing. Allele origin: germline.
Comment: This sequence change replaces arginine, which is basic and polar, with histidine, which is basic and polar, at codon 272 of the MEGF10 protein (p.Arg272His). This variant is present in population databases (rs778173850, gnomAD 0.003%). This variant has not been reported in the literature in individuals affected with MEGF10-related conditions. ClinVar contains an entry for this variant (Variation ID: 2063328). Advanced modeling of protein sequence and biophysical properties (such as structural, functional, and spatial information, amino acid conservation, physicochemical variation, residue mobility, and thermodynamic stability) performed at Invitae indicates that this missense variant is not expected to disrupt MEGF10 protein function with a negative predictive value of 80%. In summary, the available evidence is currently insufficient to determine the role of this variant in disease. Therefore, it has been classified as a Variant of Uncertain Significance.

NM_001256545.2(MEGF10):c.815G>A (p.Arg272His)

Gene: MEGF10 (multiple EGF like domains 10; plus strand). Cytogenetic location: 5q23.2.
Variant type: single nucleotide variant.
Coding change: c.815G>A on transcript NM_001256545.2 (MANE Select); coding-DNA position 815, G replaced by A.
Protein change: p.Arg272His; replaces arginine 272 with histidine.
Molecular consequence: missense variant.
Genome position (GRCh38, 1-based): chr5:127,402,580, G>A. VCF-style: chr5-127402580-G-A. GRCh37 (hg19) VCF-style: chr5-126738272-G-A.
Other names: c.815G>A, p.Arg272His (NM_001308119.2, NM_001308121.2, NM_032446.3); c.815G>A (NM_032446.2); short protein forms R272H.
Identifiers: ClinVar variation 2063328 (VCV002063328.5), dbSNP rs778173850, ClinGen allele CA3391414.